The following is an entry in ClinVar:

NM_014423.4(AFF4):c.673C>T (p.Arg225Cys)

Gene: AFF4 (ALF transcription elongation factor 4; minus strand). Cytogenetic location: 5q31.1.
Variant type: single nucleotide variant.
Coding change: c.673C>T on transcript NM_014423.4 (MANE Select); coding-DNA position 673, C replaced by T.
Protein change: p.Arg225Cys; replaces arginine 225 with cysteine.
Molecular consequence: missense variant.
Genome position (GRCh38, 1-based): chr5:132,934,392, G>A on the plus strand (C>T on the coding strand, the complement: AFF4 is on the minus strand). VCF-style: chr5-132934392-G-A. GRCh37 (hg19) VCF-style: chr5-132270084-G-A.
Other names: short protein forms R225C.
Identifiers: ClinVar variation 2046438 (VCV002046438.8), dbSNP rs141402018, ClinGen allele CA3409392.

ClinVar aggregate classification (germline): Uncertain significance. Review status: criteria provided, multiple submitters, no conflicts (2 of 4 stars). 3 submissions from 3 submitters: Uncertain significance (3). Last evaluated 2026-04-04.

Conditions:
Cognitive impairment - coarse facies - heart defects - obesity - pulmonary involvement - short stature - skeletal dysplasia syndrome. Also called: Chops syndrome; COGNITIVE IMPAIRMENT, COARSE FACIES, HEART DEFECTS, OBESITY, PULMONARY INVOLVEMENT, SHORT STATURE, AND SKELETAL DYSPLASIA; AFF4-Related CHOPS Syndrome. Identifiers: Orphanet 444077, MedGen C4085597, MONDO:0014609, OMIM 616368.
AFF4-related disorder. Also called: AFF4-related condition.
Inborn genetic diseases. Identifiers: MedGen C0950123, MeSH D030342.

gnomAD v4.1: 108 of 1,614,020 alleles (0.0067%); highest among the groups gnomAD compares: Non-Finnish European, 0.008%; no homozygotes.

Submissions (3):

PreventionGenetics, part of Exact Sciences
Classification: Uncertain significance for AFF4-related condition. Last evaluated: 2026-04-04. Review status: criteria provided, single submitter. Criteria: ACMG Guidelines, 2015. Collection method: clinical testing. Allele origin: germline.
Comment: The AFF4 c.673C>T variant is predicted to result in the amino acid substitution p.Arg225Cys. To our knowledge, this variant has not been reported in the literature. This variant is reported in 0.012% of alleles in individuals of European (Non-Finnish) descent in gnomAD. Although we suspect that this variant may be benign, at this time, the clinical significance of this variant is uncertain due to the absence of conclusive functional and genetic evidence.

Labcorp Genetics (formerly Invitae), Labcorp
Classification: Uncertain significance for Cognitive impairment - coarse facies - heart defects - obesity - pulmonary involvement - short stature - skeletal dysplasia syndrome. Last evaluated: 2025-05-15. Review status: criteria provided, single submitter. Criteria: Invitae Variant Classification Sherloc (09022015). Collection method: clinical testing. Allele origin: germline.
Comment: This sequence change replaces arginine, which is basic and polar, with cysteine, which is neutral and slightly polar, at codon 225 of the AFF4 protein (p.Arg225Cys). This variant is present in population databases (rs141402018, gnomAD 0.01%). This variant has not been reported in the literature in individuals affected with AFF4-related conditions. ClinVar contains an entry for this variant (Variation ID: 2046438). Invitae Evidence Modeling of protein sequence and biophysical properties (such as structural, functional, and spatial information, amino acid conservation, physicochemical variation, residue mobility, and thermodynamic stability) indicates that this missense variant is expected to disrupt AFF4 protein function with a positive predictive value of 80%. In summary, the available evidence is currently insufficient to determine the role of this variant in disease. Therefore, it has been classified as a Variant of Uncertain Significance.

Ambry Genetics
Classification: Uncertain significance for Inborn genetic diseases. Last evaluated: 2021-02-22. Review status: criteria provided, single submitter. Criteria: Ambry Variant Classification Scheme 2023. Collection method: clinical testing. Allele origin: germline.
Comment: The c.673C>T (p.R225C) alteration is located in exon 3 (coding exon 2) of the AFF4 gene. This alteration results from a C to T substitution at nucleotide position 673, causing the arginine (R) at amino acid position 225 to be replaced by a cysteine (C). The in silico prediction for the p.R225C alteration is inconclusive. Based on insufficient or conflicting evidence, the clinical significance of this alteration remains unclear.